The following is an entry in ClinVar:

ClinVar aggregate classification (germline): Pathogenic (1 of 4 stars; one submission).

Conditions:
Hereditary cancer-predisposing syndrome. Also called: Hereditary Cancer Syndrome; Hereditary neoplastic syndrome; Neoplastic Syndromes, Hereditary; Tumor predisposition. Identifiers: Orphanet 140162, MedGen C0027672, MeSH D009386, MONDO:0015356.

Submission:

Ambry Genetics
Classification: Pathogenic for Hereditary cancer-predisposing syndrome. Last evaluated: 2025-06-06. Review status: criteria provided, single submitter. Criteria: Ambry Variant Classification Scheme 2023. Collection method: clinical testing. Allele origin: germline.
Comment: The c.2200delC pathogenic mutation, located in coding exon 15 of the MSH3 gene, results from a deletion of one nucleotide at nucleotide position 2200, causing a translational frameshift with a predicted alternate stop codon (p.R734Efs*4). This variant is considered to be rare based on population cohorts in the Genome Aggregation Database (gnomAD). This alteration is expected to result in loss of function by premature protein truncation or nonsense-mediated mRNA decay. As such, this alteration is interpreted as a disease-causing mutation.

NM_002439.5(MSH3):c.2200del (p.Arg734fs)

Gene: MSH3 (mutS homolog 3; plus strand). Cytogenetic location: 5q14.1.
Variant type: Deletion.
Coding change: c.2200del on transcript NM_002439.5 (MANE Select); coding-DNA position 2200, one base deleted (C; older notation c.2200delC).
Protein change: p.Arg734fs; shifts the reading frame from arginine 734.
Molecular consequence: frameshift variant.
Genome position (GRCh38, 1-based): chr5:80,768,950, C deleted. VCF-style (leftmost placement, unchanged base first): chr5-80768949-AC-A. GRCh37 (hg19) VCF-style: chr5-80064768-AC-A.
Other names: short protein forms R734fs.
Identifiers: ClinVar variation 3913654 (VCV003913654.1).